The following is an entry in ClinVar:

ClinVar aggregate classification (germline): Uncertain significance (1 of 4 stars; one submission).

gnomAD v4.1: 1 of 1,590,584 alleles (0.000063%); highest among the groups gnomAD compares: Middle Eastern, 0.017%; no homozygotes.

Submission:

Ambry Genetics
Classification: Uncertain significance. Last evaluated: 2024-06-13. Review status: criteria provided, single submitter. Criteria: Ambry Variant Classification Scheme 2023. Collection method: clinical testing. Allele origin: germline.
Comment: The p.H833Y variant (also known as c.2497C>T), located in coding exon 22 of the PRKDC gene, results from a C to T substitution at nucleotide position 2497. The histidine at codon 833 is replaced by tyrosine, an amino acid with similar properties. This amino acid position is conserved. In addition, this alteration is predicted to be tolerated by in silico analysis. Based on the available evidence, the clinical significance of this variant remains unclear.

NM_006904.7(PRKDC):c.2497C>T (p.His833Tyr)

Gene: PRKDC (protein kinase, DNA-activated, catalytic subunit; minus strand). Cytogenetic location: 8q11.21.
Variant type: single nucleotide variant.
Coding change: c.2497C>T on transcript NM_006904.7 (MANE Select); coding-DNA position 2497, C replaced by T.
Protein change: p.His833Tyr; replaces histidine 833 with tyrosine.
Molecular consequence: missense variant.
Genome position (GRCh38, 1-based): chr8:47,918,306, G>A on the plus strand (C>T on the coding strand, the complement: PRKDC is on the minus strand). VCF-style: chr8-47918306-G-A. GRCh37 (hg19) VCF-style: chr8-48830866-G-A.
Other names: c.2497C>T, p.His833Tyr (NM_001081640.2); short protein forms H833Y.
Identifiers: ClinVar variation 3310183 (VCV003310183.1).